The following is an entry in ClinVar:

NM_001377530.1(DMBT1):c.2004T>C (p.Asp668=)

Gene: DMBT1 (deleted in malignant brain tumors 1; plus strand). Cytogenetic location: 10q26.13.
Variant type: single nucleotide variant.
Coding change: c.2004T>C on transcript NM_001377530.1 (MANE Select); coding-DNA position 2004, T replaced by C.
Protein change: p.Asp668=; no amino-acid change (aspartic acid 668 retained).
Molecular consequence: synonymous variant. On other transcripts: intron variant (1).
Genome position (GRCh38, 1-based): chr10:122,589,164, T>C. VCF-style: chr10-122589164-T-C. GRCh37 (hg19) VCF-style: chr10-124348680-T-C.
Other names: c.2004T>C, p.Asp668= (NM_001320644.2, NM_007329.3); c.1974T>C, p.Asp658= (NM_017579.3); c.1420+4813T>C (NM_004406.3).
Identifiers: ClinVar variation 2640929 (VCV002640929.24), dbSNP rs1239317379, ClinGen allele CA471746215.

ClinVar aggregate classification (germline): Likely benign (1 of 4 stars; one submission).

Allele frequency attached by ClinVar (database versions not stated): gnomAD 0.00001.
gnomAD v4.1: 22 of 1,588,362 alleles (0.0014%); highest among the groups gnomAD compares: Admixed American, 0.0017%; 2 homozygotes.

Submission:

CeGaT Center for Human Genetics Tuebingen
Classification: Likely benign. Last evaluated: 2022-11-01. Review status: criteria provided, single submitter. Criteria: CeGaT Center For Human Genetics Tuebingen Variant Classification Criteria Version 2. Collection method: clinical testing. Allele origin: germline. Affected: yes. Observed: 1 variant allele.
Comment: DMBT1: BP4, BP7